The following is an entry in ClinVar:

NM_133433.4(NIPBL):c.-415del

Gene: NIPBL (NIPBL cohesin loading factor; plus strand). Cytogenetic location: 5p13.2.
Variant type: Deletion.
Coding change: c.-415del on transcript NM_133433.4 (MANE Select); 415 bases upstream of the start codon, one base deleted (T; older notation c.-415delT).
Molecular consequence: 5 prime UTR variant.
Genome position (GRCh38, 1-based): chr5:36,876,843, T deleted. VCF-style (leftmost placement, unchanged base first): chr5-36876842-CT-C. GRCh37 (hg19) VCF-style: chr5-36876944-CT-C.
Other names: c.-415del (NM_015384.5).
Identifiers: ClinVar variation 2655410 (VCV002655410.24), dbSNP rs1345465032, ClinGen allele CA559168609.

ClinVar aggregate classification (germline): Benign (1 of 4 stars; one submission).

Allele frequency attached by ClinVar (database versions not stated): gnomAD 0.00023; gnomAD exomes 0.00033; 1000 Genomes Project 30x 0.00047.

Submission:

CeGaT Center for Human Genetics Tuebingen
Classification: Benign. Last evaluated: 2023-01-01. Review status: criteria provided, single submitter. Criteria: CeGaT Center For Human Genetics Tuebingen Variant Classification Criteria Version 2. Collection method: clinical testing. Allele origin: germline. Affected: yes. Observed: 2 variant alleles.
Comment: NIPBL: BS1, BS2